The following is an entry in ClinVar:

NM_001194998.2(CEP152):c.1909-8G>C

Gene: CEP152 (centrosomal protein 152; minus strand). Cytogenetic location: 15q21.1.
Variant type: single nucleotide variant.
Coding change: c.1909-8G>C on transcript NM_001194998.2 (MANE Select); 8 bases into the intron before coding-DNA position 1909, G replaced by C.
Molecular consequence: intron variant.
Genome position (GRCh38, 1-based): chr15:48,768,336, C>G on the plus strand (G>C on the coding strand, the complement: CEP152 is on the minus strand). VCF-style: chr15-48768336-C-G. GRCh37 (hg19) VCF-style: chr15-49060533-C-G.
Other names: c.1909-8G>C (NM_014985.4, NM_001194998.1).
Identifiers: ClinVar variation 158235 (VCV000158235.18), dbSNP rs116089174, ClinGen allele CA171707.
Genomic context (GRCh38, chr15:48,768,336, plus strand): 5'-TTACATAAGTCTTGATTTGTATTTCTCAGTTTTCCTTCAGTTTCTTTAAGTTCCTAGACA[C>G]AAAAGAATAAACTTAGTACTTACAGAAAATAAACATCATTTTCACTGATTGATTTTGTCT-3'

ClinVar aggregate classification (germline): Benign/Likely benign. Review status: criteria provided, multiple submitters, no conflicts (2 of 4 stars). 5 submissions from 5 submitters: Benign (2); Likely benign (2). 1 of the submissions does not count toward it. Last evaluated 2026-01-26.

Conditions:
CEP152-related disorder. Also called: CEP152-related disorders; CEP152-related condition. Identifiers: MedGen CN239248.

Allele frequency attached by ClinVar (database versions not stated): gnomAD exomes 0.00052 and 0.00121; ExAC 0.00176; gnomAD 0.00501 and 0.00531; TOPMed 0.00564; ESP Exome Variant Server 0.00571; 1000 Genomes Project 30x 0.00703; 1000 Genomes Project 0.00719.
gnomAD v4.1: 1,460 of 1,441,726 alleles (0.1%); highest among the groups gnomAD compares: African/African-American, 1.8%; 15 homozygotes.

Submissions (5):

Labcorp Genetics (formerly Invitae), Labcorp
Classification: Benign. Last evaluated: 2026-01-26. Review status: criteria provided, single submitter. Criteria: Invitae Variant Classification Sherloc (09022015). Collection method: clinical testing. Allele origin: germline.

Blueprint Genetics
Classification: Likely benign. Last evaluated: 2024-11-14. Review status: criteria provided, single submitter. Criteria: ACMG Guidelines, 2015. Collection method: clinical testing. Allele origin: germline.

Genetic Services Laboratory, University of Chicago
Classification: Benign. Last evaluated: 2015-11-17. Review status: criteria provided, single submitter. Criteria: ACMG Guidelines, 2015. Collection method: clinical testing. Allele origin: germline. Affected: no.

GeneDx
Classification: Likely benign. Last evaluated: 2015-11-03. Review status: criteria provided, single submitter. Criteria: GeneDx Variant Classification (06012015). Collection method: clinical testing. Allele origin: germline. Affected: yes.
Comment: This variant is considered likely benign or benign based on one or more of the following criteria: it is a conservative change, it occurs at a poorly conserved position in the protein, it is predicted to be benign by multiple in silico algorithms, and/or has population frequency not consistent with disease.

PreventionGenetics, part of Exact Sciences
Classification: Benign for CEP152-related condition. Last evaluated: 2019-10-15. Review status: no assertion criteria provided. Collection method: clinical testing. Allele origin: germline. Not counted in ClinVar's aggregate classification.
Comment: This variant is classified as benign based on ACMG/AMP sequence variant interpretation guidelines (Richards et al. 2015 PMID: 25741868, with internal and published modifications).